The following is an entry in ClinVar:

NM_000094.4(COL7A1):c.2162C>G (p.Ser721Ter)

Gene: COL7A1 (collagen type VII alpha 1 chain; minus strand). Cytogenetic location: 3p21.31.
Variant type: single nucleotide variant.
Coding change: c.2162C>G on transcript NM_000094.4 (MANE Select); coding-DNA position 2162, C replaced by G.
Protein change: p.Ser721Ter; replaces serine 721 with a stop codon.
Molecular consequence: nonsense.
Genome position (GRCh38, 1-based): chr3:48,589,607, G>C on the plus strand (C>G on the coding strand, the complement: COL7A1 is on the minus strand). VCF-style: chr3-48589607-G-C. GRCh37 (hg19) VCF-style: chr3-48627040-G-C.
Other names: short protein forms S721*.
Identifiers: ClinVar variation 2109593 (VCV002109593.5), dbSNP rs2531280321, ClinGen allele CA352725155.

ClinVar aggregate classification (germline): Pathogenic. Review status: criteria provided, multiple submitters, no conflicts (2 of 4 stars). 2 submissions from 2 submitters: Pathogenic (2). Last evaluated 2024-11-23.

Conditions:
Recessive dystrophic epidermolysis bullosa (RDEB). Also called: Recessive DEB (RDEB); DYSTROPHIC EPIDERMOLYSIS BULLOSA, AUTOSOMAL RECESSIVE; EPIDERMOLYSIS BULLOSA DYSTROPHICA, HALLOPEAU-SIEMENS TYPE; Epidermolysis Bullosa Distrophica Autosomal Recessive (RDEB); epidermolysis bullosa dystrophica, autosomal recessive; Hallopeau-Siemens Disease. Identifiers: Orphanet 79408, Orphanet 79409, MedGen C0079474, MONDO:0009179, OMIM 226600.

gnomAD v4.1: 1 of 1,613,340 alleles (0.000062%); highest among the groups gnomAD compares: Non-Finnish European, 0.000085%; no homozygotes.

Submissions (2):

Myriad Genetics, Inc.
Classification: Pathogenic for Recessive dystrophic epidermolysis bullosa. Last evaluated: 2024-11-23. Review status: criteria provided, single submitter. Criteria: Myriad Autosomal Dominant, Autosomal Recessive and X-Linked Classification Criteria (2023). Collection method: clinical testing. Allele origin: unknown.
Comment: NM_000094.3(COL7A1):c.2162C>G(S721*) is expected to be pathogenic in the context of dystrophic epidermolysis bullosa. This variant is predicted to lead to an abnormal or absent protein product due to the creation of a premature termination codon in COL7A1, a gene where loss-of-function variants are known to be pathogenic. Please note: this variant was assessed in the context of healthy population screening.

Labcorp Genetics (formerly Invitae), Labcorp
Classification: Pathogenic. Last evaluated: 2022-03-14. Review status: criteria provided, single submitter. Criteria: Invitae Variant Classification Sherloc (09022015). Collection method: clinical testing. Allele origin: germline.
Comment: This variant has not been reported in the literature in individuals affected with COL7A1-related conditions. For these reasons, this variant has been classified as Pathogenic. This variant is not present in population databases (gnomAD no frequency). This sequence change creates a premature translational stop signal (p.Ser721*) in the COL7A1 gene. It is expected to result in an absent or disrupted protein product. Loss-of-function variants in COL7A1 are known to be pathogenic (PMID: 16971478).

Literature cited by the submitters: PubMed 16971478 (cited by Labcorp Genetics (formerly Invitae), Labcorp).